The following is an entry in ClinVar:

NM_001166108.2(PALLD):c.710C>T (p.Pro237Leu)

Gene: PALLD (palladin, cytoskeletal associated protein; plus strand). Cytogenetic location: 4q32.3.
Variant type: single nucleotide variant.
Coding change: c.710C>T on transcript NM_001166108.2 (MANE Select); coding-DNA position 710, C replaced by T.
Protein change: p.Pro237Leu; replaces proline 237 with leucine.
Molecular consequence: missense variant.
Genome position (GRCh38, 1-based): chr4:168,512,214, C>T. VCF-style: chr4-168512214-C-T. GRCh37 (hg19) VCF-style: chr4-169433365-C-T.
Other names: c.710C>T, p.Pro237Leu (NM_016081.4); short protein forms P237L.
Identifiers: ClinVar variation 1757207 (VCV001757207.2), dbSNP rs375729725, ClinGen allele CA109883715.

ClinVar aggregate classification (germline): Uncertain significance (1 of 4 stars; one submission).

gnomAD v4.1: 2 of 1,613,806 alleles (0.00012%); highest among the groups gnomAD compares: African/African-American, 0.0013%; no homozygotes.

Submission:

Ambry Genetics
Classification: Uncertain significance. Last evaluated: 2022-05-12. Review status: criteria provided, single submitter. Criteria: Ambry Variant Classification Scheme 2023. Collection method: clinical testing. Allele origin: germline.
Comment: The p.P237L variant (also known as c.710C>T), located in coding exon 1 of the PALLD gene, results from a C to T substitution at nucleotide position 710. The proline at codon 237 is replaced by leucine, an amino acid with similar properties. This amino acid position is conserved. In addition, this alteration is predicted to be tolerated by in silico analysis. Since supporting evidence is limited at this time, the clinical significance of this alteration remains unclear.